The following is an entry in ClinVar:

NM_001918.5(DBT):c.1017+1G>A

Gene: DBT (dihydrolipoamide branched chain transacylase E2; minus strand). Cytogenetic location: 1p21.2.
Variant type: single nucleotide variant.
Coding change: c.1017+1G>A on transcript NM_001918.5 (MANE Select); the canonical splice donor site of the intron after coding-DNA position 1017, G replaced by A.
Molecular consequence: splice donor variant.
Genome position (GRCh38, 1-based): chr1:100,210,693, C>T on the plus strand (G>A on the coding strand, the complement: DBT is on the minus strand). VCF-style: chr1-100210693-C-T. GRCh37 (hg19) VCF-style: chr1-100676249-C-T.
Other names: c.474+1G>A (NM_001399972.1, NM_001399969.1).
Identifiers: ClinVar variation 2836652 (VCV002836652.3), dbSNP rs1176555925, ClinGen allele CA341334392.

ClinVar aggregate classification (germline): Likely pathogenic (1 of 4 stars; one submission).

Conditions:
Maple syrup urine disease (MSUD). Identifiers: Orphanet 511, MedGen C0024776, MeSH D008375, MONDO:0009563. Disease mechanism: loss of function.

Allele frequency attached by ClinVar (database versions not stated): TOPMed below 0.00001.

Submission:

Labcorp Genetics (formerly Invitae), Labcorp
Classification: Likely pathogenic for Maple syrup urine disease. Last evaluated: 2023-02-13. Review status: criteria provided, single submitter. Criteria: Invitae Variant Classification Sherloc (09022015). Collection method: clinical testing. Allele origin: germline.
Comment: In summary, the currently available evidence indicates that the variant is pathogenic, but additional data are needed to prove that conclusively. Therefore, this variant has been classified as Likely Pathogenic. Algorithms developed to predict the effect of sequence changes on RNA splicing suggest that this variant may disrupt the consensus splice site. This variant has not been reported in the literature in individuals affected with DBT-related conditions. This variant is not present in population databases (gnomAD no frequency). This sequence change affects a donor splice site in intron 8 of the DBT gene. It is expected to disrupt RNA splicing. Variants that disrupt the donor or acceptor splice site typically lead to a loss of protein function (PMID: 16199547), and loss-of-function variants in DBT are known to be pathogenic (PMID: 16579849, 16786533).

Literature cited by the submitters: PubMed 16199547; PubMed 16579849; PubMed 16786533.